The following is an entry in ClinVar:

NM_152281.3(GORAB):c.287del (p.Gly96fs)

Gene: GORAB (golgin, RAB6 interacting; plus strand). Cytogenetic location: 1q24.2.
Variant type: Deletion.
Coding change: c.287del on transcript NM_152281.3 (MANE Select); coding-DNA position 287, one base deleted (G; older notation c.287delG).
Protein change: p.Gly96fs; shifts the reading frame from glycine 96.
Molecular consequence: frameshift variant. On other transcripts: 5 prime UTR variant (1), non-coding transcript variant (1).
Genome position (GRCh38, 1-based): chr1:170,539,435, G deleted; the last of 2 consecutive G bases (chr1:170,539,434-170,539,435); deleting either gives the same sequence. VCF-style (leftmost placement, unchanged base first): chr1-170539433-TG-T. GRCh37 (hg19) VCF-style: chr1-170508574-TG-T.
Other names: c.287del, p.Gly96fs (NM_001146039.2); c.-179del (NM_001320252.2); c.236delG, p.Gly79Valfs (NM_001410894.1); short protein forms G96fs.
Identifiers: ClinVar variation 1802239 (VCV001802239.3), dbSNP rs2525929880, ClinGen allele CA2580061367.

ClinVar aggregate classification (germline): Likely pathogenic (1 of 4 stars; one submission).

Conditions:
Geroderma osteodysplastica (GO). Also called: WALT DISNEY DWARFISM; Geroderma osteodysplasticum. Identifiers: Orphanet 2078, MedGen C0432255, MONDO:0009271, OMIM 231070.

Submission:

Diagnostics Services (NGS), CSIR - Centre For Cellular And Molecular Biology
Classification: Likely pathogenic for Geroderma osteodysplastica. Last evaluated: 2022-08-18. Review status: criteria provided, single submitter. Criteria: ACMG Guidelines, 2015. Collection method: clinical testing. Allele origin: unknown. Observed: 3 variant alleles, 2 heterozygotes, 1 homozygote.
Comment: The c.287del variant is not present in publicly available population databases like 1000 Genomes, EVS, gnomAD and Indian Exome Database. The variant is not present in our in-house exome database. This variant has not been reported in literature or any clinical databases like ClinVar, Human Genome Mutation Database (HGMD) and OMIM, in any affected individuals. In-silico pathogenicity prediction programs like MutationTaster2, CADD, Varsome etc. predicted this variant to be likely deleterious. The variant causes frameshift at the 121th amino acid position of the wild-type transcript which creates a translational premature stop signal at the 180th amino acid position of the altered transcript that either may causes nonsense mediated decay of the mRNA or results in translating a truncated protein.